The following is an entry in ClinVar:

ClinVar aggregate classification (germline): Uncertain significance (1 of 4 stars; one submission).

Conditions:
Breast-ovarian cancer, familial, susceptibility to, 4. Identifiers: Orphanet 145, MedGen C3280345, MONDO:0013669, OMIM 614291.

Allele frequency attached by ClinVar (database versions not stated): gnomAD exomes below 0.00001; ExAC 0.00001.
gnomAD v4.1: 1 of 1,614,216 alleles (0.000062%); highest among the groups gnomAD compares: Non-Finnish European, 0.000085%; no homozygotes.

Submission:

Labcorp Genetics (formerly Invitae), Labcorp
Classification: Uncertain significance for Breast-ovarian cancer, familial, susceptibility to, 4. Last evaluated: 2023-11-02. Review status: criteria provided, single submitter. Criteria: Invitae Variant Classification Sherloc (09022015). Collection method: clinical testing. Allele origin: germline.
Comment: This sequence change replaces glutamic acid, which is acidic and polar, with lysine, which is basic and polar, at codon 158 of the RAD51D protein (p.Glu158Lys). This variant is present in population databases (rs762168532, gnomAD 0.002%). This variant has not been reported in the literature in individuals affected with RAD51D-related conditions. ClinVar contains an entry for this variant (Variation ID: 944866). An algorithm developed to predict the effect of missense changes on protein structure and function (PolyPhen-2) suggests that this variant is likely to be disruptive. In summary, the available evidence is currently insufficient to determine the role of this variant in disease. Therefore, it has been classified as a Variant of Uncertain Significance.

NM_002878.4(RAD51D):c.472G>A (p.Glu158Lys)

Genes: RAD51L3-RFFL (RAD51L3-RFFL readthrough; minus strand), RAD51D (RAD51 paralog D; minus strand). Cytogenetic location: 17q12.
Variant type: single nucleotide variant.
Coding change: c.472G>A on transcript NM_002878.4 (MANE Select); coding-DNA position 472, G replaced by A.
Protein change: p.Glu158Lys; replaces glutamic acid 158 with lysine.
Molecular consequence: missense variant. On other transcripts: non-coding transcript variant (1), intron variant (1).
Genome position (GRCh38, 1-based): chr17:35,106,996, C>T on the plus strand (G>A on the coding strand, the complement: RAD51D is on the minus strand). VCF-style: chr17-35106996-C-T. GRCh37 (hg19) VCF-style: chr17-33434015-C-T.
Other names: c.532G>A, p.Glu178Lys (NM_001142571.2); c.145-515G>A (NM_133629.3); short protein forms E178K, E158K.
Identifiers: ClinVar variation 944866 (VCV000944866.6), dbSNP rs762168532, ClinGen allele CA8499473.